The following is an entry in ClinVar:

NM_005908.4(MANBA):c.545G>A (p.Arg182Gln)

Gene: MANBA (mannosidase beta; minus strand). Cytogenetic location: 4q24.
Variant type: single nucleotide variant.
Coding change: c.545G>A on transcript NM_005908.4 (MANE Select); coding-DNA position 545, G replaced by A.
Protein change: p.Arg182Gln; replaces arginine 182 with glutamine.
Molecular consequence: missense variant.
Genome position (GRCh38, 1-based): chr4:102,722,875, C>T on the plus strand (G>A on the coding strand, the complement: MANBA is on the minus strand). VCF-style: chr4-102722875-C-T. GRCh37 (hg19) VCF-style: chr4-103644032-C-T.
Other names: c.545G>A (NM_005908.3); short protein forms R182Q.
Identifiers: ClinVar variation 984911 (VCV000984911.9), dbSNP rs759103361, ClinGen allele CA103130023.

ClinVar aggregate classification (germline): Conflicting classifications of pathogenicity. Review status: criteria provided, conflicting classifications (1 of 4 stars). 5 submissions from 5 submitters: Likely pathogenic (1); Uncertain significance (4). Last evaluated 2026-02-17.

Conditions:
Beta-D-mannosidosis (MANSB). Also called: LYSOSOMAL BETA-MANNOSIDASE DEFICIENCY; Beta-Mannosidosis; MANNOSIDOSIS, BETA A, LYSOSOMAL; BETA-MANNOSIDASE DEFICIENCY. Identifiers: Orphanet 118, MedGen C4048196, MONDO:0009562, OMIM 248510.

Allele frequency attached by ClinVar (database versions not stated): TOPMed 0.00001; gnomAD exomes 0.00001.
gnomAD v4.1: 17 of 1,613,920 alleles (0.0011%); highest among the groups gnomAD compares: African/African-American, 0.0067%; no homozygotes.

Submissions (5):

GeneDx
Classification: Uncertain significance. Last evaluated: 2026-02-17. Review status: criteria provided, single submitter. Criteria: GeneDx Variant Classification Process June 2021. Collection method: clinical testing. Allele origin: germline.
Comment: In silico analysis supports that this missense variant has a deleterious effect on protein structure/function; Not observed at significant frequency in large population cohorts (gnomAD); This variant is associated with the following publications: (PMID: 34374989)

Fulgent Genetics
Classification: Likely pathogenic for Beta-D-mannosidosis. Last evaluated: 2024-05-23. Review status: criteria provided, single submitter. Criteria: ACMG Guidelines, 2015. Collection method: clinical testing. Allele origin: germline.

Women's Health and Genetics/Laboratory Corporation of America, LabCorp
Classification: Uncertain significance. Last evaluated: 2024-03-21. Review status: criteria provided, single submitter. Criteria: LabCorp Variant Classification Summary - May 2015. Collection method: clinical testing. Allele origin: germline.
Comment: Variant summary: MANBA c.545G>A (p.Arg182Gln) results in a conservative amino acid change in the encoded protein sequence. Three of four in-silico tools predict a damaging effect of the variant on protein function. The variant allele was found at a frequency of 1.2e-05 in 251388 control chromosomes. c.545G>A has been reported in the literature in one individual affected with developmental delay, failure to thrive and hyperactivity (Saleh_2021). These data indicate that the variant may be associated with disease. To our knowledge, no experimental evidence demonstrating an impact on protein function has been reported. Additionally, one variant at the Arg182 residue has been reported as an Likely Pathogenic variant at our lab (p.Arg182Trp), suggesting that this codon might be functionally important. The following publication have been ascertained in the context of this evaluation (PMID: 34374989). ClinVar contains an entry for this variant (Variation ID: 984911). Based on the evidence outlined above, the variant was classified as VUS-possibly pathogenic.

Labcorp Genetics (formerly Invitae), Labcorp
Classification: Uncertain significance for Beta-D-mannosidosis. Last evaluated: 2022-03-23. Review status: criteria provided, single submitter. Criteria: Invitae Variant Classification Sherloc (09022015). Collection method: clinical testing. Allele origin: germline.
Comment: This sequence change replaces arginine, which is basic and polar, with glutamine, which is neutral and polar, at codon 182 of the MANBA protein (p.Arg182Gln). This variant is present in population databases (no rsID available, gnomAD 0.004%). This variant has not been reported in the literature in individuals affected with MANBA-related conditions. ClinVar contains an entry for this variant (Variation ID: 984911). Algorithms developed to predict the effect of missense changes on protein structure and function (SIFT, PolyPhen-2, Align-GVGD) all suggest that this variant is likely to be disruptive. In summary, the available evidence is currently insufficient to determine the role of this variant in disease. Therefore, it has been classified as a Variant of Uncertain Significance.

Breda Genetics srl
Classification: Uncertain significance for Beta-D-mannosidosis. Last evaluated: 2020-09-01. Review status: criteria provided, single submitter. Criteria: ACMG Guidelines, 2015. Collection method: clinical testing. Allele origin: germline. Inheritance: Autosomal recessive inheritance. Affected: yes. Observed: 1 variant allele, 1 homozygote.
Comment: The variant c.545G>A (p.Arg182Gln) in MANBA is reported with an estimated allele frequency of 0.00001193 in gnomAD exomes and 0.00003185 in gnomAD genomes, with no homozygous individuals reported. The nucleotide position is conserved across 35 mammalian species (GERP RS: 4.33). In silico analysis indicates that the variant might be damaging. Based on ACMG variant interpretation guidelines, we classify this variant as uncertain. However, based on the aforementioned evidence, there is a given likelihood that the variant may actually be pathogenic, even if we cannot exclude that it is a rare benign variant.

Literature cited by the submitters: PubMed 34374989 (cited by Women's Health and Genetics/Laboratory Corporation of America, LabCorp); PubMed 16904924 (cited by Breda Genetics srl).